The following is an entry in ClinVar:

ClinVar aggregate classification (germline): Uncertain significance (1 of 4 stars; one submission).

Submission:

Ambry Genetics
Classification: Uncertain significance. Last evaluated: 2022-01-02. Review status: criteria provided, single submitter. Criteria: Ambry Variant Classification Scheme 2023. Collection method: clinical testing. Allele origin: germline.
Comment: The p.S1051F variant (also known as c.3152C>T), located in coding exon 16 of the POLQ gene, results from a C to T substitution at nucleotide position 3152. The serine at codon 1051 is replaced by phenylalanine, an amino acid with highly dissimilar properties. This amino acid position is conserved. In addition, this alteration is predicted to be tolerated by in silico analysis. Since supporting evidence is limited at this time, the clinical significance of this alteration remains unclear.

NM_199420.4(POLQ):c.3152C>T (p.Ser1051Phe)

Gene: POLQ (DNA polymerase theta; minus strand). Cytogenetic location: 3q13.33.
Variant type: single nucleotide variant.
Coding change: c.3152C>T on transcript NM_199420.4 (MANE Select); coding-DNA position 3152, C replaced by T.
Protein change: p.Ser1051Phe; replaces serine 1051 with phenylalanine.
Molecular consequence: missense variant.
Genome position (GRCh38, 1-based): chr3:121,489,779, G>A on the plus strand (C>T on the coding strand, the complement: POLQ is on the minus strand). VCF-style: chr3-121489779-G-A. GRCh37 (hg19) VCF-style: chr3-121208626-G-A.
Other names: short protein forms S1051F.
Identifiers: ClinVar variation 1728209 (VCV001728209.2), dbSNP rs2048049916, ClinGen allele CA354101526.